The following is an entry in ClinVar:

NM_001206927.2(DNAH8):c.13722C>G (p.Leu4574=)

Gene: DNAH8 (dynein axonemal heavy chain 8; plus strand). Cytogenetic location: 6p21.2.
Variant type: single nucleotide variant.
Coding change: c.13722C>G on transcript NM_001206927.2 (MANE Select); coding-DNA position 13722, C replaced by G.
Protein change: p.Leu4574=; no amino-acid change (leucine 4574 retained).
Molecular consequence: synonymous variant.
Genome position (GRCh38, 1-based): chr6:39,026,553, C>G. VCF-style: chr6-39026553-C-G. GRCh37 (hg19) VCF-style: chr6-38994329-C-G.
Other names: c.13071C>G, p.Leu4357= (NM_001371.4).
Identifiers: ClinVar variation 414425 (VCV000414425.15), dbSNP rs45600141, ClinGen allele CA3791753.

ClinVar aggregate classification (germline): Likely benign. Review status: criteria provided, multiple submitters, no conflicts (2 of 4 stars). 3 submissions from 3 submitters: Likely benign (3). Last evaluated 2026-05-01.

Conditions:
Primary ciliary dyskinesia. Also called: Ciliary dyskinesia. Identifiers: Orphanet 244, MedGen C0008780, MONDO:0016575, HP:0012265.

Allele frequency attached by ClinVar (database versions not stated): 1000 Genomes Project 30x 0.00016; 1000 Genomes Project 0.00020; gnomAD 0.00041; TOPMed 0.00062; ESP Exome Variant Server 0.00077.
gnomAD v4.1: 1,243 of 1,608,372 alleles (0.077%); highest among the groups gnomAD compares: Non-Finnish European, 0.093%; 1 homozygote.

Submissions (3):

CeGaT Center for Human Genetics Tuebingen
Classification: Likely benign. Last evaluated: 2026-05-01. Review status: criteria provided, single submitter. Criteria: CeGaT Center For Human Genetics Tuebingen Variant Classification Criteria Version 2. Collection method: clinical testing. Allele origin: germline. Affected: yes. Observed: 1 variant allele.
Comment: DNAH8: BP4, BP7

Labcorp Genetics (formerly Invitae), Labcorp
Classification: Likely benign for Primary ciliary dyskinesia. Last evaluated: 2026-01-11. Review status: criteria provided, single submitter. Criteria: Invitae Variant Classification Sherloc (09022015). Collection method: clinical testing. Allele origin: germline.

Breakthrough Genomics
Classification: Likely benign. Review status: criteria provided, single submitter. Criteria: ACMG Guidelines, 2015. Collection method: not provided. Allele origin: germline. Inheritance: Autosomal recessive inheritance. Affected: yes.